The following is an entry in ClinVar:

ClinVar aggregate classification (germline): Likely benign (0 of 4 stars; one submission).

Conditions:
KLHL15-related disorder. Also called: KLHL15-related condition.

Allele frequency attached by ClinVar (database versions not stated): gnomAD exomes below 0.00001.
gnomAD v4.1: 1 of 1,210,948 alleles (0.000083%); highest among the groups gnomAD compares: Admixed American, 0.0022%; no homozygotes.

Submission:

PreventionGenetics, part of Exact Sciences
Classification: Likely benign for KLHL15-related condition. Last evaluated: 2023-09-15. Review status: no assertion criteria provided. Collection method: clinical testing. Allele origin: germline.
Comment: This variant is classified as likely benign based on ACMG/AMP sequence variant interpretation guidelines (Richards et al. 2015 PMID: 25741868, with internal and published modifications).

NM_030624.3(KLHL15):c.123G>A (p.Gln41=)

Gene: KLHL15 (kelch like family member 15; minus strand). Cytogenetic location: Xp22.11.
Variant type: single nucleotide variant.
Coding change: c.123G>A on transcript NM_030624.3 (MANE Select); coding-DNA position 123, G replaced by A.
Protein change: p.Gln41=; no amino-acid change (glutamine 41 retained).
Molecular consequence: synonymous variant.
Genome position (GRCh38, 1-based): chrX:24,006,571, C>T on the plus strand (G>A on the coding strand, the complement: KLHL15 is on the minus strand). VCF-style: chrX-24006571-C-T. GRCh37 (hg19) VCF-style: chrX-24024688-C-T.
Identifiers: ClinVar variation 3060224 (VCV003060224.2), dbSNP rs1191733201, ClinGen allele CA515621332.
Genomic context (GRCh38, chrX:24,006,571, plus strand): 5'-AGTAAACATAATTCTGAAGTAATCACTCTGGGTGGCCAAGAGTGCTTTATGGGCCTGGAA[C>T]TGATGATCTTCAATAACCAGAGTGACATCAAGAAGCAATCCCTCCTCATACAGTGCTCTG-3'
Protein context (NP_085127.2, residues 31-51): LDVTLVIEDH[Gln41=]FQAHKALLAT